The following is an entry in ClinVar:

NM_001849.4(COL6A2):c.1666G>A (p.Glu556Lys)

Gene: COL6A2 (collagen type VI alpha 2 chain; plus strand). Cytogenetic location: 21q22.3.
Variant type: single nucleotide variant.
Coding change: c.1666G>A on transcript NM_001849.4 (MANE Select); coding-DNA position 1666, G replaced by A.
Protein change: p.Glu556Lys; replaces glutamic acid 556 with lysine.
Molecular consequence: missense variant.
Genome position (GRCh38, 1-based): chr21:46,122,932, G>A. VCF-style: chr21-46122932-G-A. GRCh37 (hg19) VCF-style: chr21-47542846-G-A.
Other names: c.1666G>A, p.Glu556Lys (NM_058174.3, NM_058175.3); short protein forms E556K.
Identifiers: ClinVar variation 476456 (VCV000476456.13), dbSNP rs368878639, ClinGen allele CA10072076.
Genomic context (GRCh38, chr21:46,122,932, plus strand): 5'-CAGGGAGGCCGAGGCGACTTTGGCTTGAAAGGAGAACCTGGGAGGAAAGGAGAGAAAGGA[G>A]AGCCTGTGAGTGTCACCGTCCCGAAGCCCACAGCAGCTGGGCAGAGGCAGGGAGGGGCCC-3'
Protein context (NP_001840.3, residues 546-566): GEPGRKGEKG[Glu556Lys]PADPGPPGEP

ClinVar aggregate classification (germline): Uncertain significance. Review status: criteria provided, multiple submitters, no conflicts (2 of 4 stars). 3 submissions from 3 submitters: Uncertain significance (3). Last evaluated 2026-09-01.

Conditions:
Inborn genetic diseases. Identifiers: MedGen C0950123, MeSH D030342.
Bethlem myopathy 1A. Also called: MYOPATHY, BENIGN CONGENITAL, WITH CONTRACTURES; Bethlem myopathy 1; Bethlem Muscular Dystrophy. Identifiers: Orphanet 610, MedGen CN029274, MONDO:0024530, OMIM 158810.

Allele frequency attached by ClinVar (database versions not stated): ExAC 0.00001; gnomAD exomes 0.00001; gnomAD 0.00002; TOPMed 0.00002; ESP Exome Variant Server 0.00008.
gnomAD v4.1: 30 of 1,613,128 alleles (0.0019%); highest among the groups gnomAD compares: Non-Finnish European, 0.0023%; no homozygotes.

Submissions (3):

CeGaT Center for Human Genetics Tuebingen
Classification: Uncertain significance. Last evaluated: 2026-09-01. Review status: criteria provided, single submitter. Criteria: CeGaT Center For Human Genetics Tuebingen Variant Classification Criteria Version 2. Collection method: clinical testing. Allele origin: germline. Affected: yes. Observed: 1 variant allele.
Comment: COL6A2: PM2

Labcorp Genetics (formerly Invitae), Labcorp
Classification: Uncertain significance for Bethlem myopathy 1A. Last evaluated: 2025-04-08. Review status: criteria provided, single submitter. Criteria: Invitae Variant Classification Sherloc (09022015). Collection method: clinical testing. Allele origin: germline.
Comment: This sequence change replaces glutamic acid, which is acidic and polar, with lysine, which is basic and polar, at codon 556 of the COL6A2 protein (p.Glu556Lys). This variant is present in population databases (rs368878639, gnomAD 0.002%). This variant has not been reported in the literature in individuals affected with COL6A2-related conditions. ClinVar contains an entry for this variant (Variation ID: 476456). Invitae Evidence Modeling of protein sequence and biophysical properties (such as structural, functional, and spatial information, amino acid conservation, physicochemical variation, residue mobility, and thermodynamic stability) indicates that this missense variant is not expected to disrupt COL6A2 protein function with a negative predictive value of 80%. In summary, the available evidence is currently insufficient to determine the role of this variant in disease. Therefore, it has been classified as a Variant of Uncertain Significance.

Ambry Genetics
Classification: Uncertain significance for Inborn genetic diseases. Last evaluated: 2024-11-25. Review status: criteria provided, single submitter. Criteria: Ambry Variant Classification Scheme 2023. Collection method: clinical testing. Allele origin: germline.